The following is an entry in ClinVar:

ClinVar aggregate classification (germline): Uncertain significance. Review status: criteria provided, multiple submitters, no conflicts (2 of 4 stars). 3 submissions from 3 submitters: Uncertain significance (3). Last evaluated 2025-09-24.

Conditions:
Mitochondrial hypertrophic cardiomyopathy with lactic acidosis due to MTO1 deficiency. Also called: CARDIOMYOPATHY, INFANTILE HYPERTROPHIC MITOCHONDRIAL, AND LACTIC ACIDOSIS; Combined oxidative phosphorylation deficiency 10. Identifiers: Orphanet 314637, MedGen C4749921, MONDO:0013865, OMIM 614702.
Inborn genetic diseases. Identifiers: MedGen C0950123, MeSH D030342.

Allele frequency attached by ClinVar (database versions not stated): gnomAD exomes 0.00001 and below 0.00001; gnomAD 0.00002; ExAC 0.00001; TOPMed 0.00005.

Submissions (3):

Ambry Genetics
Classification: Uncertain significance for Inborn genetic diseases. Last evaluated: 2025-09-24. Review status: criteria provided, single submitter. Criteria: Ambry Variant Classification Scheme 2023. Collection method: clinical testing. Allele origin: germline.

GeneDx
Classification: Uncertain significance. Last evaluated: 2023-02-24. Review status: criteria provided, single submitter. Criteria: GeneDx Variant Classification Process June 2021. Collection method: clinical testing. Allele origin: germline. Affected: yes.
Comment: Not observed at significant frequency in large population cohorts (gnomAD); In silico analysis supports that this missense variant does not alter protein structure/function; Has not been previously published as pathogenic or benign to our knowledge

Labcorp Genetics (formerly Invitae), Labcorp
Classification: Uncertain significance for Mitochondrial hypertrophic cardiomyopathy with lactic acidosis due to MTO1 deficiency. Last evaluated: 2022-04-03. Review status: criteria provided, single submitter. Criteria: Invitae Variant Classification Sherloc (09022015). Collection method: clinical testing. Allele origin: germline.
Comment: This sequence change replaces proline, which is neutral and non-polar, with alanine, which is neutral and non-polar, at codon 568 of the MTO1 protein (p.Pro568Ala). This variant is present in population databases (rs200759516, gnomAD 0.0009%). This variant has not been reported in the literature in individuals affected with MTO1-related conditions. ClinVar contains an entry for this variant (Variation ID: 650584). Algorithms developed to predict the effect of missense changes on protein structure and function (SIFT, PolyPhen-2, Align-GVGD) all suggest that this variant is likely to be tolerated. In summary, the available evidence is currently insufficient to determine the role of this variant in disease. Therefore, it has been classified as a Variant of Uncertain Significance.

NM_012123.4(MTO1):c.1702C>G (p.Pro568Ala)

Gene: MTO1 (mitochondrial tRNA translation optimization 1; plus strand). Cytogenetic location: 6q13.
Variant type: single nucleotide variant.
Coding change: c.1702C>G on transcript NM_012123.4 (MANE Select); coding-DNA position 1702, C replaced by G.
Protein change: p.Pro568Ala; replaces proline 568 with alanine.
Molecular consequence: missense variant.
Genome position (GRCh38, 1-based): chr6:73,492,298, C>G. VCF-style: chr6-73492298-C-G. GRCh37 (hg19) VCF-style: chr6-74202021-C-G.
Other names: c.1822C>G, p.Pro608Ala (NM_001123226.2); c.1777C>G, p.Pro593Ala (NM_133645.3); c.1822C>G (NM_001123226.1); short protein forms P568A, P593A, P608A.
Identifiers: ClinVar variation 650584 (VCV000650584.6), dbSNP rs200759516, ClinGen allele CA3889735.